The following is an entry in ClinVar:

NM_014264.5(PLK4):c.1567_1568insTTGT (p.Lys523fs)

Gene: PLK4 (polo like kinase 4; plus strand). Cytogenetic location: 4q28.1.
Variant type: Insertion.
Coding change: c.1567_1568insTTGT on transcript NM_014264.5 (MANE Select); coding-DNA positions 1567 to 1568, TTGT inserted.
Protein change: p.Lys523fs; shifts the reading frame from lysine 523.
Molecular consequence: frameshift variant.
Genome position: GRCh38 VCF-style: chr4-127889973-A-ATTGT. GRCh37 (hg19) VCF-style: chr4-128811128-A-ATTGT.
Other names: c.1471_1472insTTGT, p.Lys491fs (NM_001190799.2); c.1444_1445insTTGT, p.Lys482fs (NM_001190801.2); short protein forms K482fs, K523fs, K491fs.
Identifiers: ClinVar variation 1976021 (VCV001976021.5), dbSNP rs1735288987, ClinGen allele CA1067852655.
Genomic context (GRCh38, chr4:127,889,973, plus strand): 5'-GACTTCCAGGGCCATCCAGATTTGCAGAAGGACACATCAAAAAATGCCTGGACTGATACA[A>ATTGT]AAGTCAAAAAGAACTCTGATGCTTCTGATAATGCACATTCTGTAAAACAGCAAAATACCA-3'

ClinVar aggregate classification (germline): Pathogenic (1 of 4 stars; one submission).

Allele frequency attached by ClinVar (database versions not stated): gnomAD exomes below 0.00001; TOPMed below 0.00001; gnomAD 0.00001.

Submission:

Labcorp Genetics (formerly Invitae), Labcorp
Classification: Pathogenic. Last evaluated: 2024-01-29. Review status: criteria provided, single submitter. Criteria: Invitae Variant Classification Sherloc (09022015). Collection method: clinical testing. Allele origin: germline.
Comment: This sequence change creates a premature translational stop signal (p.Lys523Ilefs*8) in the PLK4 gene. It is expected to result in an absent or disrupted protein product. Loss-of-function variants in PLK4 are known to be pathogenic (PMID: 25320347, 30842647). This variant is not present in population databases (gnomAD no frequency). This variant has not been reported in the literature in individuals affected with PLK4-related conditions. ClinVar contains an entry for this variant (Variation ID: 1976021). Algorithms developed to predict the effect of sequence changes on RNA splicing suggest that this variant may create or strengthen a splice site. For these reasons, this variant has been classified as Pathogenic.

Literature cited by the submitters: PubMed 25320347; PubMed 30842647.